The following is an entry in ClinVar:

ClinVar aggregate classification (germline): Conflicting classifications of pathogenicity. Review status: criteria provided, conflicting classifications (1 of 4 stars). 3 submissions from 3 submitters: Uncertain significance (2); Benign (1). Last evaluated 2023-08-10.

Conditions:
Inborn genetic diseases. Identifiers: MedGen C0950123, MeSH D030342.

Submissions (3):

Labcorp Genetics (formerly Invitae), Labcorp
Classification: Benign. Last evaluated: 2023-08-10. Review status: criteria provided, single submitter. Criteria: Invitae Variant Classification Sherloc (09022015). Collection method: clinical testing. Allele origin: germline.

GeneDx
Classification: Uncertain significance. Last evaluated: 2022-07-15. Review status: criteria provided, single submitter. Criteria: GeneDx Variant Classification Process June 2021. Collection method: clinical testing. Allele origin: germline. Affected: yes.
Comment: Not observed at significant frequency in large population cohorts (gnomAD); In silico analysis supports that this missense variant does not alter protein structure/function; Has not been previously published as pathogenic or benign to our knowledge

Ambry Genetics
Classification: Uncertain significance for Inborn genetic diseases. Last evaluated: 2021-07-06. Review status: criteria provided, single submitter. Criteria: Ambry Variant Classification Scheme 2023. Collection method: clinical testing. Allele origin: germline.

NM_003070.5(SMARCA2):c.1941G>T (p.Glu647Asp)

Gene: SMARCA2 (SWI/SNF related BAF chromatin remodeling complex subunit ATPase 2; plus strand). Cytogenetic location: 9p24.3.
Variant type: single nucleotide variant.
Coding change: c.1941G>T on transcript NM_003070.5 (MANE Select); coding-DNA position 1941, G replaced by T.
Protein change: p.Glu647Asp; replaces glutamic acid 647 with aspartic acid.
Molecular consequence: missense variant.
Genome position (GRCh38, 1-based): chr9:2,076,234, G>T. VCF-style: chr9-2076234-G-T. GRCh37 (hg19) VCF-style: chr9-2076234-G-T.
Other names: c.1941G>T, p.Glu647Asp (NM_001289396.2, NM_001289397.2, NM_139045.4); short protein forms E647D.
Identifiers: ClinVar variation 1878841 (VCV001878841.7), dbSNP rs1158538758, ClinGen allele CA372783388.